The following is an entry in ClinVar:

ClinVar aggregate classification (germline): Uncertain significance (1 of 4 stars; one submission).

Conditions:
Renal cell carcinoma. Identifiers: Orphanet 217071, MedGen C0007134, MeSH D002292, MONDO:0005086, HP:0005584.

Submission:

Labcorp Genetics (formerly Invitae), Labcorp
Classification: Uncertain significance for Renal cell carcinoma. Last evaluated: 2020-11-11. Review status: criteria provided, single submitter. Criteria: Invitae Variant Classification Sherloc (09022015). Collection method: clinical testing. Allele origin: germline.
Comment: This variant is not present in population databases (ExAC no frequency). This sequence change replaces leucine with phenylalanine at codon 845 of the MET protein (p.Leu845Phe). The leucine residue is weakly conserved and there is a small physicochemical difference between leucine and phenylalanine. This variant has not been reported in the literature in individuals with MET-related conditions. Algorithms developed to predict the effect of missense changes on protein structure and function (SIFT, PolyPhen-2, Align-GVGD) all suggest that this variant is likely to be tolerated, but these predictions have not been confirmed by published functional studies and their clinical significance is uncertain. In summary, the available evidence is currently insufficient to determine the role of this variant in disease. Therefore, it has been classified as a Variant of Uncertain Significance.

NM_000245.4(MET):c.2479C>T (p.Leu827Phe)

Gene: MET (MET proto-oncogene, receptor tyrosine kinase; plus strand). Cytogenetic location: 7q31.2.
Variant type: single nucleotide variant.
Coding change: c.2479C>T on transcript NM_000245.4 (MANE Select); coding-DNA position 2479, C replaced by T.
Protein change: p.Leu827Phe; replaces leucine 827 with phenylalanine.
Molecular consequence: missense variant.
Genome position (GRCh38, 1-based): chr7:116,763,164, C>T. VCF-style: chr7-116763164-C-T. GRCh37 (hg19) VCF-style: chr7-116403218-C-T.
Other names: c.2533C>T, p.Leu845Phe (NM_001127500.3); c.2479C>T, p.Leu827Phe (NM_001324401.3); c.1189C>T, p.Leu397Phe (NM_001324402.2); short protein forms L827F, L397F, L845F.
Identifiers: ClinVar variation 1483262 (VCV001483262.8), dbSNP rs2116955879, ClinGen allele CA368983355.